The following is an entry in ClinVar:

NM_005901.6(SMAD2):c.1325T>G (p.Leu442Arg)

Gene: SMAD2 (SMAD family member 2; minus strand). Cytogenetic location: 18q21.1.
Variant type: single nucleotide variant.
Coding change: c.1325T>G on transcript NM_005901.6 (MANE Select); coding-DNA position 1325, T replaced by G.
Protein change: p.Leu442Arg; replaces leucine 442 with arginine.
Molecular consequence: missense variant.
Genome position (GRCh38, 1-based): chr18:47,841,906, A>C on the plus strand (T>G on the coding strand, the complement: SMAD2 is on the minus strand). VCF-style: chr18-47841906-A-C. GRCh37 (hg19) VCF-style: chr18-45368277-A-C.
Other names: c.1325T>G, p.Leu442Arg (NM_001003652.4); c.1235T>G, p.Leu412Arg (NM_001135937.3); short protein forms L412R, L442R.
Identifiers: ClinVar variation 2838928 (VCV002838928.3), dbSNP rs2144276709, ClinGen allele CA402502653.

ClinVar aggregate classification (germline): Pathogenic (1 of 4 stars; one submission).

Submission:

Labcorp Genetics (formerly Invitae), Labcorp
Classification: Pathogenic. Last evaluated: 2023-05-31. Review status: criteria provided, single submitter. Criteria: Invitae Variant Classification Sherloc (09022015). Collection method: clinical testing. Allele origin: germline.
Comment: This sequence change replaces leucine, which is neutral and non-polar, with arginine, which is basic and polar, at codon 442 of the SMAD2 protein (p.Leu442Arg). This variant is not present in population databases (gnomAD no frequency). This missense change has been observed in individual(s) with clinical features of Loeys-Dietz syndrome (Invitae). In at least one individual the variant was observed to be de novo. Advanced modeling of protein sequence and biophysical properties (such as structural, functional, and spatial information, amino acid conservation, physicochemical variation, residue mobility, and thermodynamic stability) performed at Invitae indicates that this missense variant is expected to disrupt SMAD2 protein function. For these reasons, this variant has been classified as Pathogenic.